The following is an entry in ClinVar:

ClinVar aggregate classification (germline): Uncertain significance (1 of 4 stars; one submission).

Conditions:
Cardiovascular phenotype. Identifiers: MedGen CN230736.

gnomAD v4.1: 3 of 1,613,722 alleles (0.00019%); highest among the groups gnomAD compares: South Asian, 0.0033%; no homozygotes.

Submission:

Ambry Genetics
Classification: Uncertain significance for Cardiovascular phenotype. Last evaluated: 2024-10-24. Review status: criteria provided, single submitter. Criteria: Ambry Variant Classification Scheme 2023. Collection method: clinical testing. Allele origin: germline.
Comment: The p.D29G variant (also known as c.86A>G), located in coding exon 1 of the TECRL gene, results from an A to G substitution at nucleotide position 86. The aspartic acid at codon 29 is replaced by glycine, an amino acid with similar properties. This amino acid position is conserved. In addition, this alteration is predicted to be tolerated by in silico analysis. Based on the available evidence, the clinical significance of this variant remains unclear.

NM_001010874.5(TECRL):c.86A>G (p.Asp29Gly)

Gene: TECRL (trans-2,3-enoyl-CoA reductase like; minus strand). Cytogenetic location: 4q13.1.
Variant type: single nucleotide variant.
Coding change: c.86A>G on transcript NM_001010874.5 (MANE Select); coding-DNA position 86, A replaced by G.
Protein change: p.Asp29Gly; replaces aspartic acid 29 with glycine.
Molecular consequence: missense variant.
Genome position (GRCh38, 1-based): chr4:64,409,266, T>C on the plus strand (A>G on the coding strand, the complement: TECRL is on the minus strand). VCF-style: chr4-64409266-T-C. GRCh37 (hg19) VCF-style: chr4-65274984-T-C.
Other names: c.86A>G, p.Asp29Gly (NM_001363796.1); short protein forms D29G.
Identifiers: ClinVar variation 3454620 (VCV003454620.1).